The following is an entry in ClinVar:

NM_017777.4(MKS1):c.1032_1035del (p.Ser345fs)

Gene: MKS1 (MKS transition zone complex subunit 1; minus strand). Cytogenetic location: 17q22.
Variant type: Deletion.
Coding change: c.1032_1035del on transcript NM_017777.4 (MANE Select); coding-DNA positions 1032 to 1035, 4 bases deleted (AAGC; older notation c.1032_1035delAAGC).
Protein change: p.Ser345fs; shifts the reading frame from serine 345.
Molecular consequence: frameshift variant.
Genome position (GRCh38, 1-based): chr17:58,208,573-58,208,576, GCTT deleted on the plus strand (AAGC on the coding strand, the reverse complement: MKS1 is on the minus strand); deleting any 4 consecutive bases within chr17:58,208,573-58,208,577 gives the same sequence; the c. name uses the placement nearest the transcript's 3' end. VCF-style (leftmost placement, unchanged base first): chr17-58208572-GGCTT-G. GRCh37 (hg19) VCF-style: chr17-56285933-GGCTT-G.
Other names: c.423_426del, p.Ser142fs (NM_001321268.2); c.1032_1035del, p.Ser345fs (NM_001321269.2, NM_001330397.2); c.1031_1034delCAAG, p.Ser345Glnfs (NM_001411113.1); short protein forms S142fs, S345fs.
Identifiers: ClinVar variation 1725016 (VCV001725016.3), dbSNP rs2509416760, ClinGen allele CA2580094411.

ClinVar aggregate classification (germline): Likely pathogenic (1 of 4 stars; one submission).

Conditions:
Ciliopathy. Also called: Ciliopathies. Identifiers: Orphanet 363250, MedGen C4277690, MONDO:0005308, MeSH D000072661.

Submission:

Myriad Genetics, Inc.
Classification: Likely pathogenic for Ciliopathy. Last evaluated: 2022-03-05. Review status: criteria provided, single submitter. Criteria: Myriad Autosomal Dominant, Autosomal Recessive and X-Linked Classification Criteria (2023). Collection method: clinical testing. Allele origin: unknown.
Comment: NM_017777.3(MKS1):c.1032_1035delAAGC(S345Qfs*9) is expected to be pathogenic in the context of MKS1-related disorders. This variant is predicted to lead to an abnormal or absent protein product due to the creation of a premature termination codon in MKS1, a gene where loss-of-function variants are known to be pathogenic. Please note: this variant was assessed in the context of healthy population screening.